The following is an entry in ClinVar:

ClinVar aggregate classification (germline): Uncertain significance (1 of 4 stars; one submission).

Allele frequency attached by ClinVar (database versions not stated): gnomAD exomes below 0.00001; TOPMed 0.00001.

Submission:

Labcorp Genetics (formerly Invitae), Labcorp
Classification: Uncertain significance. Last evaluated: 2022-09-27. Review status: criteria provided, single submitter. Criteria: Invitae Variant Classification Sherloc (09022015). Collection method: clinical testing. Allele origin: germline.
Comment: In summary, the available evidence is currently insufficient to determine the role of this variant in disease. Therefore, it has been classified as a Variant of Uncertain Significance. Advanced modeling of protein sequence and biophysical properties (such as structural, functional, and spatial information, amino acid conservation, physicochemical variation, residue mobility, and thermodynamic stability) performed at Invitae indicates that this missense variant is not expected to disrupt TWNK protein function. This variant has not been reported in the literature in individuals affected with TWNK-related conditions. This variant is present in population databases (no rsID available, gnomAD 0.0009%). This sequence change replaces aspartic acid, which is acidic and polar, with glutamic acid, which is acidic and polar, at codon 188 of the TWNK protein (p.Asp188Glu).

NM_021830.5(TWNK):c.564C>A (p.Asp188Glu)

Gene: TWNK (twinkle mtDNA helicase; plus strand). Cytogenetic location: 10q24.31.
Variant type: single nucleotide variant.
Coding change: c.564C>A on transcript NM_021830.5 (MANE Select); coding-DNA position 564, C replaced by A.
Protein change: p.Asp188Glu; replaces aspartic acid 188 with glutamic acid.
Molecular consequence: missense variant. On other transcripts: non-coding transcript variant (4), intron variant (3).
Genome position (GRCh38, 1-based): chr10:100,988,774, C>A. VCF-style: chr10-100988774-C-A. GRCh37 (hg19) VCF-style: chr10-102748531-C-A.
Other names: c.564C>A, p.Asp188Glu (NM_001163812.2); c.-119-870C>A (NM_001163814.2, NM_001163813.2); c.-57-932C>A (NM_001368275.1); short protein forms D188E.
Identifiers: ClinVar variation 2420650 (VCV002420650.6), dbSNP rs1385982777, ClinGen allele CA378207659.